The following is an entry in ClinVar:

NM_001387777.1(TNS1):c.595-8G>C

Gene: TNS1 (tensin 1; minus strand). Cytogenetic location: 2q35.
Variant type: single nucleotide variant.
Coding change: c.595-8G>C on transcript NM_001387777.1 (MANE Select); 8 bases into the intron before coding-DNA position 595, G replaced by C.
Molecular consequence: intron variant.
Genome position (GRCh38, 1-based): chr2:217,893,569, C>G on the plus strand (G>C on the coding strand, the complement: TNS1 is on the minus strand). VCF-style: chr2-217893569-C-G. GRCh37 (hg19) VCF-style: chr2-218758292-C-G.
Other names: c.220-8G>C (NM_001308023.2, NM_022648.7, NM_001308022.2).
Identifiers: ClinVar variation 3058716 (VCV003058716.2), dbSNP rs2469329271, ClinGen allele CA2663068926.

ClinVar aggregate classification (germline): Likely benign (0 of 4 stars; one submission).

Conditions:
TNS1-related disorder. Also called: TNS1-related condition.

gnomAD v4.1: 5 of 1,605,490 alleles (0.00031%); highest among the groups gnomAD compares: South Asian, 0.0056%; no homozygotes.

Submission:

PreventionGenetics, part of Exact Sciences
Classification: Likely benign for TNS1-related condition. Last evaluated: 2019-04-09. Review status: no assertion criteria provided. Collection method: clinical testing. Allele origin: germline.
Comment: This variant is classified as likely benign based on ACMG/AMP sequence variant interpretation guidelines (Richards et al. 2015 PMID: 25741868, with internal and published modifications).